The following is an entry in ClinVar:

NM_022124.6(CDH23):c.4870A>C (p.Ile1624Leu)

Gene: CDH23 (cadherin related 23; plus strand). Cytogenetic location: 10q22.1.
Variant type: single nucleotide variant.
Coding change: c.4870A>C on transcript NM_022124.6 (MANE Select); coding-DNA position 4870, A replaced by C.
Protein change: p.Ile1624Leu; replaces isoleucine 1624 with leucine.
Molecular consequence: missense variant.
Genome position (GRCh38, 1-based): chr10:71,777,704, A>C. VCF-style: chr10-71777704-A-C. GRCh37 (hg19) VCF-style: chr10-73537461-A-C.
Other names: short protein forms I1624L.
Identifiers: ClinVar variation 1310887 (VCV001310887.2), dbSNP rs781055821, ClinGen allele CA377139957.

ClinVar aggregate classification (germline): Uncertain significance (1 of 4 stars; one submission).

Allele frequency attached by ClinVar (database versions not stated): gnomAD exomes below 0.00001; TOPMed below 0.00001.
gnomAD v4.1: 1 of 1,612,948 alleles (0.000062%); highest among the groups gnomAD compares: Admixed American, 0.0017%; no homozygotes.

Submission:

GeneDx
Classification: Uncertain significance. Last evaluated: 2019-12-04. Review status: criteria provided, single submitter. Criteria: GeneDx Variant Classification Process June 2021. Collection method: clinical testing. Allele origin: germline. Affected: yes.
Comment: Not observed at a significant frequency in large population cohorts (Lek et al., 2016); In silico analysis, which includes protein predictors and evolutionary conservation, supports that this variant does not alter protein structure/function; Has not been previously published as pathogenic or benign to our knowledge